The following is an entry in ClinVar:

ClinVar aggregate classification (germline): Benign/Likely benign. Review status: criteria provided, multiple submitters, no conflicts (2 of 4 stars). 4 submissions from 4 submitters: Benign (1); Likely benign (3). Last evaluated 2026-01-25.

Conditions:
Dilated cardiomyopathy 1R (CMD1R). Identifiers: Orphanet 154, Orphanet 54260, MedGen C3150681, MONDO:0013261, OMIM 613424.
Hypertrophic cardiomyopathy 11. Also called: ACTC1-Related Familial Hypertrophic Cardiomyopathy. Identifiers: MedGen C2677506, MONDO:0012799, OMIM 612098.
Atrial septal defect 5 (ASD5). Identifiers: Orphanet 1478, MedGen C2748552, MONDO:0013011, OMIM 612794.

Submissions (4):

Labcorp Genetics (formerly Invitae), Labcorp
Classification: Likely benign for Dilated cardiomyopathy 1R; Hypertrophic cardiomyopathy 11; Atrial septal defect 5. Last evaluated: 2026-01-25. Review status: criteria provided, single submitter. Criteria: Invitae Variant Classification Sherloc (09022015). Collection method: clinical testing. Allele origin: germline.

Blueprint Genetics
Classification: Benign. Last evaluated: 2024-04-22. Review status: criteria provided, single submitter. Criteria: ACMG Guidelines, 2015. Collection method: clinical testing. Allele origin: germline.

Women's Health and Genetics/Laboratory Corporation of America, LabCorp
Classification: Likely benign. Last evaluated: 2024-03-04. Review status: criteria provided, single submitter. Criteria: LabCorp Variant Classification Summary - May 2015. Collection method: clinical testing. Allele origin: germline.
Comment: Variant summary: ACTC1 c.809-24_809-13dup12 alters a nucleotide located at a position not widely known to affect splicing. Consensus agreement among computation tools predict no significant impact on normal splicing. However, these predictions have yet to be confirmed by functional studies. The frequency data for this variant in gnomAD is considered unreliable, as metrics indicate poor data quality at this position. To our knowledge, no occurrence of c.809-24_809-13dup12 in individuals affected with Cardiomyopathy and no experimental evidence demonstrating its impact on protein function have been reported. ClinVar contains an entry for this variant (Variation ID: 1650668). Based on the evidence outlined above, the variant was classified as likely benign.

Fulgent Genetics
Classification: Likely benign for Hypertrophic cardiomyopathy 11; Atrial septal defect 5; Dilated cardiomyopathy 1R. Last evaluated: 2021-08-20. Review status: criteria provided, single submitter. Criteria: ACMG Guidelines, 2015. Collection method: clinical testing. Allele origin: unknown.

NM_005159.5(ACTC1):c.809-58TG[29]

Genes: ACTC1 (actin alpha cardiac muscle 1; minus strand), GJD2-DT (GJD2 divergent transcript; plus strand). Cytogenetic location: 15q14.
Variant type: Microsatellite.
Coding change: c.809-58TG[29] on transcript NM_005159.5 (MANE Select); 29 copies in a row of the 2-base unit TG starting at c.809-58; the reference has 23 copies in a row; six copies, 12 bases duplicated.
Molecular consequence: intron variant.
Genome position (GRCh38, 1-based): chr15:34,791,308-34,791,319, CACACACACACA duplicated on the plus strand (TGTGTGTGTGTG on the coding strand, the reverse complement: ACTC1 is on the minus strand); duplicating any 12 consecutive bases within chr15:34,791,308-34,791,353 gives the same sequence; the position shown is the placement nearest the transcript's 3' end. VCF-style (leftmost placement, unchanged base first): chr15-34791307-T-TCACACACACACA. GRCh37 (hg19) VCF-style: chr15-35083508-T-TCACACACACACA.
Other names: c.809-24_809-13dup (NM_005159.5); c.809-24_809-13dup12 (NM_005159.5).
Identifiers: ClinVar variation 1650668 (VCV001650668.12), dbSNP rs59431308, ClinGen allele CA712279190.